The following is an entry in ClinVar:

NM_000298.6(PKLR):c.1015G>C (p.Asp339His)

Gene: PKLR (pyruvate kinase L/R; minus strand). Cytogenetic location: 1q22.
Variant type: single nucleotide variant.
Coding change: c.1015G>C on transcript NM_000298.6 (MANE Select); coding-DNA position 1015, G replaced by C.
Protein change: p.Asp339His; replaces aspartic acid 339 with histidine.
Molecular consequence: missense variant.
Genome position (GRCh38, 1-based): chr1:155,294,336, C>G on the plus strand (G>C on the coding strand, the complement: PKLR is on the minus strand). VCF-style: chr1-155294336-C-G. GRCh37 (hg19) VCF-style: chr1-155264127-C-G.
Other names: p.Asp339His; c.922G>C, p.Asp308His (NM_181871.4); short protein forms D308H, D339H.
Identifiers: ClinVar variation 4541532 (VCV004541532.2).

ClinVar aggregate classification (germline): Uncertain significance. Review status: criteria provided, multiple submitters, no conflicts (2 of 4 stars). 2 submissions from 2 submitters: Uncertain significance (2). Last evaluated 2025-08-27.

gnomAD v4.1: 2 of 1,614,002 alleles (0.00012%); highest among the groups gnomAD compares: Non-Finnish European, 0.000085%; no homozygotes.

Submissions (2):

Mayo Clinic Laboratories, Mayo Clinic
Classification: Uncertain significance. Last evaluated: 2025-08-27. Review status: criteria provided, single submitter. Criteria: ACMG Guidelines, 2015. Collection method: clinical testing. Allele origin: germline. Observed: 1 variant allele.
Comment: PP3_strong, PM2_supporting, PM3_supporting

Blueprint Genetics
Classification: Uncertain significance. Last evaluated: 2021-01-19. Review status: criteria provided, single submitter. Criteria: ACMG Guidelines, 2015. Collection method: clinical testing. Allele origin: germline.

Literature cited by the submitters: PubMed 9827908 (cited by Mayo Clinic Laboratories, Mayo Clinic).